The following is an entry in ClinVar:

ClinVar aggregate classification (germline): Uncertain significance. Review status: criteria provided, multiple submitters, no conflicts (2 of 4 stars). 2 submissions from 2 submitters: Uncertain significance (2). Last evaluated 2023-06-23.

Conditions:
Alagille syndrome due to a JAG1 point mutation. Also called: HEPATIC DUCTULAR HYPOPLASIA, SYNDROMATIC; JAG1-Related Alagille Syndrome; Alagille Syndrome 1. Identifiers: Orphanet 261619, Orphanet 52, MedGen C1956125, MONDO:0016862, OMIM 118450.

Submissions (2):

Labcorp Genetics (formerly Invitae), Labcorp
Classification: Uncertain significance for Alagille syndrome due to a JAG1 point mutation. Last evaluated: 2023-06-23. Review status: criteria provided, single submitter. Criteria: Invitae Variant Classification Sherloc (09022015). Collection method: clinical testing. Allele origin: germline.
Comment: This sequence change falls in intron 16 of the JAG1 gene. It does not directly change the encoded amino acid sequence of the JAG1 protein. It affects a nucleotide within the consensus splice site. This variant is not present in population databases (gnomAD no frequency). This variant has not been reported in the literature in individuals affected with JAG1-related conditions. This variant has been observed in at least one individual who was not affected with JAG1-related conditions (Invitae). ClinVar contains an entry for this variant (Variation ID: 291262). Variants that disrupt the consensus splice site are a relatively common cause of aberrant splicing (PMID: 17576681, 9536098). Algorithms developed to predict the effect of sequence changes on RNA splicing suggest that this variant may disrupt the consensus splice site. In summary, the available evidence is currently insufficient to determine the role of this variant in disease. Therefore, it has been classified as a Variant of Uncertain Significance.

Eurofins Ntd Llc (ga)
Classification: Uncertain significance. Last evaluated: 2017-09-08. Review status: criteria provided, single submitter. Criteria: EGL Classification Definitions 2015. Collection method: clinical testing. Allele origin: germline. Observed: 2 variant alleles, 2 heterozygotes.

Literature cited by the submitters: PubMed 17576681 (cited by Labcorp Genetics (formerly Invitae), Labcorp); PubMed 9536098 (cited by Labcorp Genetics (formerly Invitae), Labcorp).

NM_000214.3(JAG1):c.2113+5G>A

Gene: JAG1 (jagged canonical Notch ligand 1; minus strand). Cytogenetic location: 20p12.2.
Variant type: single nucleotide variant.
Coding change: c.2113+5G>A on transcript NM_000214.3 (MANE Select); 5 bases into the intron after coding-DNA position 2113, G replaced by A.
Molecular consequence: intron variant.
Genome position (GRCh38, 1-based): chr20:10,645,351, C>T on the plus strand (G>A on the coding strand, the complement: JAG1 is on the minus strand). VCF-style: chr20-10645351-C-T. GRCh37 (hg19) VCF-style: chr20-10625999-C-T.
Other names: c.2113+5G>A (LRG_1191t1).
Identifiers: ClinVar variation 291262 (VCV000291262.13), dbSNP rs886044704, ClinGen allele CA10607083.